The following is an entry in ClinVar:

NM_002474.3(MYH11):c.106G>A (p.Val36Ile)

Gene: MYH11 (myosin heavy chain 11; minus strand). Cytogenetic location: 16p13.11.
Variant type: single nucleotide variant.
Coding change: c.106G>A on transcript NM_002474.3 (MANE Select); coding-DNA position 106, G replaced by A.
Protein change: p.Val36Ile; replaces valine 36 with isoleucine.
Molecular consequence: missense variant.
Genome position (GRCh38, 1-based): chr16:15,838,147, C>T on the plus strand (G>A on the coding strand, the complement: MYH11 is on the minus strand). VCF-style: chr16-15838147-C-T. GRCh37 (hg19) VCF-style: chr16-15932004-C-T.
Other names: c.106G>A, p.Val36Ile (NM_001040113.2, NM_001040114.2, NM_022844.3); short protein forms V36I.
Identifiers: ClinVar variation 519928 (VCV000519928.11), dbSNP rs959014769, ClinGen allele CA278998951.

ClinVar aggregate classification (germline): Uncertain significance. Review status: criteria provided, multiple submitters, no conflicts (2 of 4 stars). 3 submissions from 3 submitters: Uncertain significance (3). Last evaluated 2024-03-06.

Conditions:
Familial thoracic aortic aneurysm and aortic dissection (TAAD). Also called: Thoracic aortic aneurysms and dissections. Identifiers: Orphanet 91387, MedGen C4707243, MONDO:0019625.

Allele frequency attached by ClinVar (database versions not stated): TOPMed 0.00001.
gnomAD v4.1: 2 of 1,614,116 alleles (0.00012%); highest among the groups gnomAD compares: South Asian, 0.0011%; no homozygotes.

Submissions (3):

Color Diagnostics, LLC DBA Color Health
Classification: Uncertain significance for Familial thoracic aortic aneurysm and aortic dissection. Last evaluated: 2024-03-06. Review status: criteria provided, single submitter. Criteria: ACMG Guidelines, 2015. Collection method: clinical testing. Allele origin: germline.
Comment: This missense variant replaces valine with isoleucine at codon 36 of the MYH11 protein. Computational prediction is inconclusive regarding the impact of this variant on protein structure and function (internally defined REVEL score threshold 0.5 < inconclusive < 0.7, PMID: 27666373). To our knowledge, functional studies have not been reported for this variant. This variant has not been reported in individuals affected with MYH11-related disorders in the literature. This variant has not been identified in the general population by the Genome Aggregation Database (gnomAD). The available evidence is insufficient to determine the role of this variant in disease conclusively. Therefore, this variant is classified as a Variant of Uncertain Significance.

All of Us Research Program, National Institutes of Health
Classification: Uncertain significance for Familial thoracic aortic aneurysm and aortic dissection. Last evaluated: 2024-02-22. Review status: criteria provided, single submitter. Criteria: ACMG Guidelines, 2015. Collection method: clinical testing. Allele origin: germline. Inheritance: Autosomal dominant inheritance. Observed: 1 variant allele, 1 heterozygote.
Comment: This missense variant replaces valine with isoleucine at codon 36 of the MYH11 protein. Computational prediction suggests that this variant may have deleterious impact on protein structure and function (internally defined REVEL score threshold >= 0.7, PMID: 27666373). Splice site prediction tools suggest that this variant may not impact RNA splicing. To our knowledge, functional studies have not been performed for this variant. This variant has not been reported in individuals affected with cardiovascular disorders in the literature. This variant has not been identified in the general population by the Genome Aggregation Database (gnomAD). The available evidence is insufficient to determine the role of this variant in disease conclusively. Therefore, this variant is classified as a Variant of Uncertain Significance.

This study involves interpretation of variants in research participants for the purpose of population health screening. Participant phenotype was not available at the time of variant classification. Additional details can be found in publication PMID: 35346344, PMCID: PMC8962531

Ambry Genetics
Classification: Uncertain significance for Familial thoracic aortic aneurysm and aortic dissection. Last evaluated: 2023-11-02. Review status: criteria provided, single submitter. Criteria: Ambry Variant Classification Scheme 2023. Collection method: clinical testing. Allele origin: germline.
Comment: The p.V36I variant (also known as c.106G>A), located in coding exon 1 of the MYH11 gene, results from a G to A substitution at nucleotide position 106. The valine at codon 36 is replaced by isoleucine, an amino acid with highly similar properties. This variant was not reported in population based cohorts in the following databases: Database of Single Nucleotide Polymorphisms (dbSNP), NHLBI Exome Sequencing Project (ESP), and 1000 Genomes Project. In the ESP, this variant was not observed in 6497 samples (12994 alleles) with coverage at this position. This amino acid position is highly conserved in available vertebrate species. In addition, the in silico prediction for this alteration is inconclusive. Since supporting evidence is limited at this time, the clinical significance of this variant remains unclear.